The following is an entry in ClinVar:

ClinVar aggregate classification (germline): Uncertain significance. Review status: criteria provided, multiple submitters, no conflicts (2 of 4 stars). 3 submissions from 3 submitters: Uncertain significance (2). 1 of the submissions does not count toward it. Last evaluated 2019-12-11.

Conditions:
3-Methylglutaconic aciduria type 3 (MGCA3). Also called: OPA3-Related 3-Methylglutaconic Aciduria; Costeff Syndrome; OPA3, AUTOSOMAL RECESSIVE; OPTIC ATROPHY 3, AUTOSOMAL RECESSIVE. Identifiers: Orphanet 67047, MedGen C0574084, MONDO:0009787, OMIM 258501.

Allele frequency attached by ClinVar (database versions not stated): TOPMed 0.00001.
gnomAD v4.1: 3 of 1,613,724 alleles (0.00019%); highest among the groups gnomAD compares: Admixed American, 0.0017%; no homozygotes.

Submissions (3):

Centre for Mendelian Genomics, University Medical Centre Ljubljana
Classification: Uncertain significance for 3-Methylglutaconic aciduria type 3. Last evaluated: 2019-12-11. Review status: criteria provided, single submitter. Criteria: ACMG Guidelines, 2015. Collection method: clinical testing. Allele origin: unknown. Affected: yes.
Comment: This variant was classified as: Uncertain significance. The available evidence on this variant's pathogenicity is insufficient or conflicting. The following ACMG criteria were applied in classifying this variant: PM2.

Blueprint Genetics
Classification: Uncertain significance. Last evaluated: 2019-05-19. Review status: criteria provided, single submitter. Criteria: ACMG Guidelines, 2015. Collection method: clinical testing. Allele origin: germline.

Counsyl
Classification: Uncertain significance for 3-Methylglutaconic aciduria type 3. Last evaluated: 2017-11-30. Review status: no assertion criteria provided. Collection method: clinical testing. Allele origin: unknown. Not counted in ClinVar's aggregate classification.

Literature cited by the submitters: PubMed 27528516 (cited by Counsyl).

NM_001017989.3(OPA3):c.343C>T (p.Arg115Ter)

Genes: OPA3 (outer mitochondrial membrane lipid metabolism regulator OPA3; minus strand), OPA3-RTN2 (OPA3-RTN2 readthrough; minus strand). Cytogenetic location: 19q13.32.
Variant type: single nucleotide variant.
Coding change: c.343C>T on transcript NM_001017989.3; coding-DNA position 343, C replaced by T.
Protein change: p.Arg115Ter; replaces arginine 115 with a stop codon.
Molecular consequence: nonsense.
Genome position (GRCh38, 1-based): chr19:45,529,256, G>A on the plus strand (C>T on the coding strand, the complement: OPA3 is on the minus strand). VCF-style: chr19-45529256-G-A. GRCh37 (hg19) VCF-style: chr19-46032514-G-A.
Other names: short protein forms R115*.
Identifiers: ClinVar variation 555209 (VCV000555209.7), dbSNP rs762247018, ClinGen allele CA9517304.